The following is an entry in ClinVar:

ClinVar aggregate classification (germline): Pathogenic (1 of 4 stars; one submission).

Submission:

Labcorp Genetics (formerly Invitae), Labcorp
Classification: Pathogenic. Last evaluated: 2022-10-20. Review status: criteria provided, single submitter. Criteria: Invitae Variant Classification Sherloc (09022015). Collection method: clinical testing. Allele origin: germline.
Comment: For these reasons, this variant has been classified as Pathogenic. This variant has not been reported in the literature in individuals affected with TRAF3IP1-related conditions. This variant is a gross deletion of the genomic region encompassing exon(s) 1-5 of the TRAF3IP1 gene, which includes the initiator codon. This deletion extends beyond the assayed region for this gene and therefore may encompass additional genes. It is expected to result in an absent or disrupted protein product. Loss-of-function variants in TRAF3IP1 are known to be pathogenic (PMID: 21945076, 26487268, 29068549).

Literature cited by the submitters: PubMed 21945076; PubMed 26487268; PubMed 29068549.

NC_000002.11:g.(?_239229304)_(239238003_?)del

Gene: TRAF3IP1 (TRAF3 interacting protein 1; plus strand). Cytogenetic location: 2q37.3.
Variant type: Deletion.
Identifiers: ClinVar variation 2426204 (VCV002426204.4).